The following is an entry in ClinVar:

ClinVar aggregate classification (germline): Benign. Review status: criteria provided, multiple submitters, no conflicts (2 of 4 stars). 3 submissions from 3 submitters: Benign (3). Last evaluated 2026-02-01.

Allele frequency attached by ClinVar (database versions not stated): gnomAD exomes 0.00080 and 0.00196; ExAC 0.00236; ESP Exome Variant Server 0.00630; gnomAD 0.00723 and 0.00773; TOPMed 0.00816; 1000 Genomes Project 0.00819; 1000 Genomes Project 30x 0.00828.
gnomAD v4.1: 2,324 of 1,607,142 alleles (0.14%); highest among the groups gnomAD compares: African/African-American, 2.6%; 33 homozygotes.

Submissions (6):

Labcorp Genetics (formerly Invitae), Labcorp
Classification: Benign. Last evaluated: 2026-02-01. Review status: criteria provided, single submitter. Criteria: Invitae Variant Classification Sherloc (09022015). Collection method: clinical testing. Allele origin: germline.

Mayo Clinic Laboratories, Mayo Clinic
Classification: Benign. Last evaluated: 2025-04-21. Review status: criteria provided, single submitter. Criteria: ACMG Guidelines, 2015. Collection method: clinical testing. Allele origin: germline. Observed: 1 variant allele.
Comment: BA1

Breakthrough Genomics
Classification: Benign. Review status: criteria provided, single submitter. Criteria: ACMG Guidelines, 2015. Collection method: not provided. Allele origin: germline. Inheritance: Autosomal recessive inheritance. Affected: yes.

Dr. Peter K. Rogan Lab, Western University
No classification provided (evidence only). Condition: Clear cell carcinoma of kidney. Review status: no classification provided. Collection method: in vitro. Allele origin: not applicable. Functional consequence: retained intron. Not counted in ClinVar's aggregate classification.

Dr. Peter K. Rogan Lab, Western University
No classification provided (evidence only). Condition: Clear cell carcinoma of kidney. Review status: no classification provided. Collection method: in vitro. Allele origin: not applicable. Functional consequence: retained intron. Not counted in ClinVar's aggregate classification.

Dr. Peter K. Rogan Lab, Western University
No classification provided (evidence only). Condition: Nonpapillary renal cell carcinoma. Review status: no classification provided. Collection method: in vitro. Allele origin: not applicable. Functional consequence: retained intron. Not counted in ClinVar's aggregate classification.

Literature cited by the submitters: PubMed 39109120 (cited by Mayo Clinic Laboratories, Mayo Clinic).

NM_020738.4(KIDINS220):c.2217A>G (p.Glu739=)

Gene: KIDINS220 (kinase D interacting substrate 220; minus strand). Cytogenetic location: 2p25.1.
Variant type: single nucleotide variant.
Coding change: c.2217A>G on transcript NM_020738.4 (MANE Select); coding-DNA position 2217, A replaced by G.
Protein change: p.Glu739=; no amino-acid change (glutamic acid 739 retained).
Molecular consequence: synonymous variant. On other transcripts: non-coding transcript variant (2).
Genome position (GRCh38, 1-based): chr2:8,785,753, T>C on the plus strand (A>G on the coding strand, the complement: KIDINS220 is on the minus strand). VCF-style: chr2-8785753-T-C. GRCh37 (hg19) VCF-style: chr2-8925883-T-C.
Other names: p.Glu739=; c.2220A>G, p.Glu740= (NM_001348729.2, NM_001348731.2, NM_001348734.2 and 3 more transcripts); c.2217A>G, p.Glu739= (NM_001348732.2, NM_001348735.2, NM_001348738.2 and 3 more transcripts); c.2091A>G, p.Glu697= (NM_001348736.2).
Identifiers: ClinVar variation 713267 (VCV000713267.12), dbSNP rs114217936, ClinGen allele CA1520030.